The following is an entry in ClinVar:

ClinVar aggregate classification (germline): Pathogenic. Review status: criteria provided, single submitter (1 of 4 stars). 2 submissions from 2 submitters: Pathogenic (1). 1 of the submissions does not count toward it. Last evaluated 2024-08-30.

Conditions:
KMT2A-related disorder. Also called: KMT2A-related condition.

Submissions (2):

Labcorp Genetics (formerly Invitae), Labcorp
Classification: Pathogenic. Last evaluated: 2024-08-30. Review status: criteria provided, single submitter. Criteria: Invitae Variant Classification Sherloc (09022015). Collection method: clinical testing. Allele origin: germline.
Comment: This sequence change creates a premature translational stop signal (p.Ser2729*) in the KMT2A gene. It is expected to result in an absent or disrupted protein product. Loss-of-function variants in KMT2A are known to be pathogenic (PMID: 22795537, 25810209, 29574747). This variant is not present in population databases (gnomAD no frequency). This variant has not been reported in the literature in individuals affected with KMT2A-related conditions. For these reasons, this variant has been classified as Pathogenic.

PreventionGenetics, part of Exact Sciences
Classification: Pathogenic for KMT2A-related condition. Last evaluated: 2024-07-29. Review status: no assertion criteria provided. Collection method: clinical testing. Allele origin: germline. Not counted in ClinVar's aggregate classification.
Comment: The KMT2A c.8185_8186delAG variant is predicted to result in premature protein termination (p.Ser2729*). To our knowledge, this variant has not been reported in the literature or in a large population database, indicating this variant is rare. A similar variant (c.8183_8186del) has been reported de novo in an individual with Wiedemann-Steiner syndrome (described as c.8174_8177del using NM_005933, Baer et al. 2018. PubMed ID: 29574747). Nonsense variants in KMT2A are expected to be pathogenic. Nonsense variants in KMT2A are expected to be pathogenic. This variant is interpreted as pathogenic.

Literature cited by the submitters: PubMed 22795537 (cited by Labcorp Genetics (formerly Invitae), Labcorp); PubMed 25810209 (cited by Labcorp Genetics (formerly Invitae), Labcorp); PubMed 29574747 (cited by Labcorp Genetics (formerly Invitae), Labcorp).

NM_001197104.2(KMT2A):c.8185_8186del (p.Glu2728_Ser2729insTer)

Gene: KMT2A (lysine methyltransferase 2A; plus strand). Cytogenetic location: 11q23.3.
Variant type: Microsatellite.
Coding change: c.8185_8186del on transcript NM_001197104.2 (MANE Select); coding-DNA positions 8185 to 8186, 2 bases deleted (AG; older notation c.8185_8186delAG).
Protein change: p.Glu2728_Ser2729insTer.
Molecular consequence: nonsense. On other transcripts: frameshift variant (2).
Genome position (GRCh38, 1-based): chr11:118,504,077-118,504,078, AG deleted; deleting any 2 consecutive bases within chr11:118,504,073-118,504,078 gives the same sequence; the c. name uses the placement nearest the transcript's 3' end. VCF-style (leftmost placement, unchanged base first): chr11-118504072-CAG-C. GRCh37 (hg19) VCF-style: chr11-118374787-CAG-C.
Other names: c.8181_8182AG[2], p.Ser2729Terfs (NM_001197104.1); c.8271_8272AG[2], p.Ser2759Terfs (NM_001412597.1); c.8176_8177del, p.Glu2725_Ser2726insTer (NM_005933.4); c.8185_8186delAG (NM_001197104.1).
Identifiers: ClinVar variation 2019319 (VCV002019319.5), dbSNP rs1591283017, ClinGen allele CA2580615094.